The following is an entry in ClinVar:

ClinVar aggregate classification (germline): Uncertain significance (1 of 4 stars; one submission).

Conditions:
Charcot-Marie-Tooth disease axonal type 2Z. Also called: CHARCOT-MARIE-TOOTH DISEASE, AXONAL, AUTOSOMAL DOMINANT, TYPE 2Z; CHARCOT-MARIE-TOOTH NEUROPATHY, TYPE 2Z. Identifiers: Orphanet 466768, MedGen C5569025, MONDO:0014736, OMIM 616688.

Allele frequency attached by ClinVar (database versions not stated): gnomAD exomes below 0.00001.
gnomAD v4.1: 1 of 1,614,182 alleles (0.000062%); highest among the groups gnomAD compares: Non-Finnish European, 0.000085%; no homozygotes.

Submission:

Labcorp Genetics (formerly Invitae), Labcorp
Classification: Uncertain significance for Charcot-Marie-Tooth disease axonal type 2Z. Last evaluated: 2020-02-24. Review status: criteria provided, single submitter. Criteria: Invitae Variant Classification Sherloc (09022015). Collection method: clinical testing. Allele origin: germline.
Comment: This variant is not present in population databases (ExAC no frequency). This sequence change replaces methionine with valine at codon 405 of the MORC2 protein (p.Met405Val). The methionine residue is moderately conserved and there is a small physicochemical difference between methionine and valine. This variant has not been reported in the literature in individuals with MORC2-related conditions. Algorithms developed to predict the effect of missense changes on protein structure and function are either unavailable or do not agree on the potential impact of this missense change (SIFT: "Not Available"; PolyPhen-2: "Benign"; Align-GVGD: "Not Available"). Algorithms developed to predict the effect of sequence changes on RNA splicing suggest that this variant is not likely to affect RNA splicing, but this prediction has not been confirmed by published transcriptional studies. In summary, the available evidence is currently insufficient to determine the role of this variant in disease. Therefore, it has been classified as a Variant of Uncertain Significance.

NM_001303256.3(MORC2):c.1213A>G (p.Met405Val)

Gene: MORC2 (MORC family CW-type zinc finger 2; minus strand). Cytogenetic location: 22q12.2.
Variant type: single nucleotide variant.
Coding change: c.1213A>G on transcript NM_001303256.3 (MANE Select); coding-DNA position 1213, A replaced by G.
Protein change: p.Met405Val; replaces methionine 405 with valine.
Molecular consequence: missense variant.
Genome position (GRCh38, 1-based): chr22:30,938,066, T>C on the plus strand (A>G on the coding strand, the complement: MORC2 is on the minus strand). VCF-style: chr22-30938066-T-C. GRCh37 (hg19) VCF-style: chr22-31334053-T-C.
Other names: c.1213A>G, p.Met405Val (NM_001303257.2); c.1027A>G, p.Met343Val (NM_014941.3); short protein forms M343V, M405V.
Identifiers: ClinVar variation 837511 (VCV000837511.8), dbSNP rs1489926879, ClinGen allele CA411239206.